The following is an entry in ClinVar:

NM_007294.4(BRCA1):c.-19-11A>T

Gene: BRCA1 (BRCA1 DNA repair associated; minus strand). Cytogenetic location: 17q21.31.
Variant type: single nucleotide variant.
Coding change: c.-19-11A>T on transcript NM_007294.4 (MANE Select); 11 bases into the intron before 19 bases upstream of the start codon, A replaced by T.
Molecular consequence: intron variant. On other transcripts: 5 prime UTR variant (10).
Genome position (GRCh38, 1-based): chr17:43,124,126, T>A on the plus strand (A>T on the coding strand, the complement: BRCA1 is on the minus strand). VCF-style: chr17-43124126-T-A. GRCh37 (hg19) VCF-style: chr17-41276143-T-A.
Other names: c.-30A>T (NM_001407593.1, NM_001407610.1, NM_001407621.1 and 6 more transcripts); c.-218A>T (NM_001408483.1); c.-61-8347A>T (NM_001408458.1); c.-219+1151A>T (NM_001407967.1); c.-170+1151A>T (NM_001407959.1); c.-8+1151A>T (NM_001407931.1, NM_001407747.1); c.-224+1151A>T (NM_001407962.1, NM_001408512.1, NM_001408510.1); c.-109+1151A>T (NM_001407885.1); and 28 more.
Identifiers: ClinVar variation 2693376 (VCV002693376.3), dbSNP rs2154578352, ClinGen allele CA2697559929.

ClinVar aggregate classification (germline): Uncertain significance (1 of 4 stars; one submission).

Conditions:
Hereditary breast ovarian cancer syndrome. Also called: Hereditary breast and ovarian cancer syndrome (HBOC); Breast and ovarian cancer; Hereditary breast and ovarian cancer; Hereditary breast and ovarian cancer syndrome; BRCA1- and BRCA2-Associated Hereditary Breast and Ovarian Cancer; Hereditary breast and/or ovarian cancer syndrome. Identifiers: Orphanet 145, MedGen C0677776, MeSH D061325, MONDO:0003582. Disease mechanism: loss of function.

Submission:

Labcorp Genetics (formerly Invitae), Labcorp
Classification: Uncertain significance for Hereditary breast ovarian cancer syndrome. Last evaluated: 2023-11-05. Review status: criteria provided, single submitter. Criteria: Invitae Variant Classification Sherloc (09022015). Collection method: clinical testing. Allele origin: germline.
Comment: This variant occurs in a non-coding region of the BRCA1 gene. It does not change the encoded amino acid sequence of the BRCA1 protein. This variant is not present in population databases (gnomAD no frequency). This variant has not been reported in the literature in individuals affected with BRCA1-related conditions. Algorithms developed to predict the effect of sequence changes on RNA splicing suggest that this variant is not likely to affect RNA splicing. In summary, the available evidence is currently insufficient to determine the role of this variant in disease. Therefore, it has been classified as a Variant of Uncertain Significance.